The following is an entry in ClinVar:

NM_015450.3(POT1):c.1466C>T (p.Ser489Leu)

Gene: POT1 (protection of telomeres 1; minus strand). Cytogenetic location: 7q31.33.
Variant type: single nucleotide variant.
Coding change: c.1466C>T on transcript NM_015450.3 (MANE Select); coding-DNA position 1466, C replaced by T.
Protein change: p.Ser489Leu; replaces serine 489 with leucine.
Molecular consequence: missense variant. On other transcripts: non-coding transcript variant (3).
Genome position (GRCh38, 1-based): chr7:124,835,318, G>A on the plus strand (C>T on the coding strand, the complement: POT1 is on the minus strand). VCF-style: chr7-124835318-G-A. GRCh37 (hg19) VCF-style: chr7-124475372-G-A.
Other names: c.1073C>T, p.Ser358Leu (NM_001042594.2); short protein forms S358L, S489L.
Identifiers: ClinVar variation 3936312 (VCV003936312.2).

ClinVar aggregate classification (germline): Uncertain significance (1 of 4 stars; one submission).

Conditions:
Hereditary cancer-predisposing syndrome. Also called: Tumor predisposition; Hereditary neoplastic syndrome; Hereditary Cancer Syndrome; Neoplastic Syndromes, Hereditary. Identifiers: Orphanet 140162, MedGen C0027672, MeSH D009386, MONDO:0015356.

Submission:

Ambry Genetics
Classification: Uncertain significance for Hereditary cancer-predisposing syndrome. Last evaluated: 2025-10-13. Review status: criteria provided, single submitter. Criteria: Ambry Variant Classification Scheme 2023. Collection method: clinical testing. Allele origin: germline.
Comment: The p.S489L variant (also known as c.1466C>T), located in coding exon 11 of the POT1 gene, results from a C to T substitution at nucleotide position 1466. The serine at codon 489 is replaced by leucine, an amino acid with dissimilar properties. This amino acid position is conserved. In addition, this alteration is predicted to be tolerated by in silico analysis. Based on the available evidence, the clinical significance of this variant remains unclear.